The following is an entry in ClinVar:

NM_002296.4(LBR):c.1240G>A (p.Ala414Thr)

Gene: LBR (lamin B receptor; minus strand). Cytogenetic location: 1q42.12.
Variant type: single nucleotide variant.
Coding change: c.1240G>A on transcript NM_002296.4 (MANE Select); coding-DNA position 1240, G replaced by A.
Protein change: p.Ala414Thr; replaces alanine 414 with threonine.
Molecular consequence: missense variant.
Genome position (GRCh38, 1-based): chr1:225,410,365, C>T on the plus strand (G>A on the coding strand, the complement: LBR is on the minus strand). VCF-style: chr1-225410365-C-T. GRCh37 (hg19) VCF-style: chr1-225598067-C-T.
Other names: c.1240G>A, p.Ala414Thr (NM_194442.3); short protein forms A414T.
Identifiers: ClinVar variation 3627321 (VCV003627321.2).

ClinVar aggregate classification (germline): Uncertain significance (1 of 4 stars; one submission).

gnomAD v4.1: 20 of 1,614,054 alleles (0.0012%); highest among the groups gnomAD compares: African/African-American, 0.0067%; no homozygotes.

Submission:

Labcorp Genetics (formerly Invitae), Labcorp
Classification: Uncertain significance. Last evaluated: 2025-03-05. Review status: criteria provided, single submitter. Criteria: Invitae Variant Classification Sherloc (09022015). Collection method: clinical testing. Allele origin: germline.
Comment: This sequence change replaces alanine, which is neutral and non-polar, with threonine, which is neutral and polar, at codon 414 of the LBR protein (p.Ala414Thr). This variant is present in population databases (rs765875442, gnomAD 0.02%). This variant has not been reported in the literature in individuals affected with LBR-related conditions. Invitae Evidence Modeling of protein sequence and biophysical properties (such as structural, functional, and spatial information, amino acid conservation, physicochemical variation, residue mobility, and thermodynamic stability) indicates that this missense variant is not expected to disrupt LBR protein function with a negative predictive value of 95%. In summary, the available evidence is currently insufficient to determine the role of this variant in disease. Therefore, it has been classified as a Variant of Uncertain Significance.